The following is an entry in ClinVar:

ClinVar aggregate classification (germline): Conflicting classifications of pathogenicity. Review status: criteria provided, conflicting classifications (1 of 4 stars). 3 submissions from 3 submitters: Uncertain significance (2); Likely benign (1). Last evaluated 2025-12-13.

Conditions:
Cardiovascular phenotype. Identifiers: MedGen CN230736.
Brugada syndrome. Also called: Sudden Unexplained Nocturnal Death Syndrome (SUNDS); Sudden unexpected nocturnal death syndrome; Sudden Unexplained Death Syndrome; Sudden unexplained nocturnal death syndrome. Identifiers: Orphanet 130, MedGen C1142166, MONDO:0015263.
Brugada syndrome 2 (BRGDA2). Identifiers: Orphanet 130, MedGen C2673193, MONDO:0012728, OMIM 611777.

Allele frequency attached by ClinVar (database versions not stated): gnomAD exomes 0.00002; ExAC 0.00005; gnomAD 0.00011 and 0.00012; TOPMed 0.00013; ESP Exome Variant Server 0.00015.
gnomAD v4.1: 41 of 1,614,036 alleles (0.0025%); highest among the groups gnomAD compares: African/African-American, 0.035%; no homozygotes.

Submissions (3):

Labcorp Genetics (formerly Invitae), Labcorp
Classification: Uncertain significance for Brugada syndrome. Last evaluated: 2025-12-13. Review status: criteria provided, single submitter. Criteria: Invitae Variant Classification Sherloc (09022015). Collection method: clinical testing. Allele origin: germline.
Comment: This sequence change replaces asparagine, which is neutral and polar, with serine, which is neutral and polar, at codon 156 of the GPD1L protein (p.Asn156Ser). This variant is present in population databases (rs139494055, gnomAD 0.05%). This variant has not been reported in the literature in individuals affected with GPD1L-related conditions. ClinVar contains an entry for this variant (Variation ID: 463286). Invitae Evidence Modeling of protein sequence and biophysical properties (such as structural, functional, and spatial information, amino acid conservation, physicochemical variation, residue mobility, and thermodynamic stability) indicates that this missense variant is not expected to disrupt GPD1L protein function with a negative predictive value of 80%. In summary, the available evidence is currently insufficient to determine the role of this variant in disease. Therefore, it has been classified as a Variant of Uncertain Significance.

Ambry Genetics
Classification: Likely benign for Cardiovascular phenotype. Last evaluated: 2024-10-04. Review status: criteria provided, single submitter. Criteria: Ambry Variant Classification Scheme 2023. Collection method: clinical testing. Allele origin: germline.

Fulgent Genetics
Classification: Uncertain significance for Brugada syndrome 2. Last evaluated: 2021-08-20. Review status: criteria provided, single submitter. Criteria: ACMG Guidelines, 2015. Collection method: clinical testing. Allele origin: unknown.

NM_015141.4(GPD1L):c.467A>G (p.Asn156Ser)

Gene: GPD1L (glycerol-3-phosphate dehydrogenase 1 like; plus strand). Cytogenetic location: 3p22.3.
Variant type: single nucleotide variant.
Coding change: c.467A>G on transcript NM_015141.4 (MANE Select); coding-DNA position 467, A replaced by G.
Protein change: p.Asn156Ser; replaces asparagine 156 with serine.
Molecular consequence: missense variant.
Genome position (GRCh38, 1-based): chr3:32,140,328, A>G. VCF-style: chr3-32140328-A-G. GRCh37 (hg19) VCF-style: chr3-32181820-A-G.
Other names: short protein forms N156S.
Identifiers: ClinVar variation 463286 (VCV000463286.8), dbSNP rs139494055, ClinGen allele CA2296651.
Genomic context (GRCh38, chr3:32,140,328, plus strand): 5'-ACATCATCCGTGAGAAGATGGGTATTGACATCAGTGTGCTGATGGGAGCCAACATTGCCA[A>G]TGAGGTGGCTGCAGAGAAGTTCTGTGAGACCACCATCGGTAAGCACTGCCTGGGAGGGAC-3'
Protein context (NP_055956.1, residues 146-166): ISVLMGANIA[Asn156Ser]EVAAEKFCET